The following is an entry in ClinVar:

NM_002519.3(NPAT):c.303T>A (p.Ser101Arg)

Gene: NPAT (nuclear protein, coactivator of histone transcription; minus strand). Cytogenetic location: 11q22.3.
Variant type: single nucleotide variant.
Coding change: c.303T>A on transcript NM_002519.3 (MANE Select); coding-DNA position 303, T replaced by A.
Protein change: p.Ser101Arg; replaces serine 101 with arginine.
Molecular consequence: missense variant.
Genome position (GRCh38, 1-based): chr11:108,190,488, A>T on the plus strand (T>A on the coding strand, the complement: NPAT is on the minus strand). VCF-style: chr11-108190488-A-T. GRCh37 (hg19) VCF-style: chr11-108061215-A-T.
Other names: c.303T>A, p.Ser101Arg (NM_001321307.1); short protein forms S101R.
Identifiers: ClinVar variation 1799151 (VCV001799151.2), dbSNP rs1194138756, ClinGen allele CA382526322.

ClinVar aggregate classification (germline): Uncertain significance (1 of 4 stars; one submission).

Allele frequency attached by ClinVar (database versions not stated): TOPMed below 0.00001; gnomAD 0.00001.
gnomAD v4.1: 1 of 1,613,814 alleles (0.000062%); highest among the groups gnomAD compares: Non-Finnish European, 0.000085%; no homozygotes.

Submission:

Ambry Genetics
Classification: Uncertain significance. Last evaluated: 2023-11-06. Review status: criteria provided, single submitter. Criteria: Ambry Variant Classification Scheme 2023. Collection method: clinical testing. Allele origin: germline.
Comment: The p.S101R variant (also known as c.303T>A), located in coding exon 5 of the NPAT gene, results from a T to A substitution at nucleotide position 303. The serine at codon 101 is replaced by arginine, an amino acid with dissimilar properties. This amino acid position is conserved. In addition, this alteration is predicted to be tolerated by in silico analysis. Since supporting evidence is limited at this time, the clinical significance of this alteration remains unclear.